The following is an entry in ClinVar:

ClinVar aggregate classification (germline): Uncertain significance. Review status: criteria provided, multiple submitters, no conflicts (2 of 4 stars). 2 submissions from 2 submitters: Uncertain significance (2). Last evaluated 2025-04-20.

Conditions:
Inborn genetic diseases. Identifiers: MedGen C0950123, MeSH D030342.
Joubert syndrome 8 (JBTS8). Identifiers: Orphanet 475, MedGen C2676771, MONDO:0012855, OMIM 612291.

Allele frequency attached by ClinVar (database versions not stated): gnomAD exomes below 0.00001; TOPMed 0.00002; gnomAD 0.00003.
gnomAD v4.1: 8 of 1,607,666 alleles (0.0005%); highest among the groups gnomAD compares: African/African-American, 0.0094%; no homozygotes.

Submissions (2):

Ambry Genetics
Classification: Uncertain significance for Inborn genetic diseases. Last evaluated: 2025-04-20. Review status: criteria provided, single submitter. Criteria: Ambry Variant Classification Scheme 2023. Collection method: clinical testing. Allele origin: germline.

Labcorp Genetics (formerly Invitae), Labcorp
Classification: Uncertain significance for Joubert syndrome 8. Last evaluated: 2024-12-02. Review status: criteria provided, single submitter. Criteria: Invitae Variant Classification Sherloc (09022015). Collection method: clinical testing. Allele origin: germline.
Comment: This sequence change replaces leucine, which is neutral and non-polar, with valine, which is neutral and non-polar, at codon 271 of the ARL13B protein (p.Leu271Val). This variant is present in population databases (no rsID available, gnomAD 0.004%). This variant has not been reported in the literature in individuals affected with ARL13B-related conditions. ClinVar contains an entry for this variant (Variation ID: 1381244). Invitae Evidence Modeling of protein sequence and biophysical properties (such as structural, functional, and spatial information, amino acid conservation, physicochemical variation, residue mobility, and thermodynamic stability) indicates that this missense variant is not expected to disrupt ARL13B protein function with a negative predictive value of 80%. In summary, the available evidence is currently insufficient to determine the role of this variant in disease. Therefore, it has been classified as a Variant of Uncertain Significance.

NM_001174150.2(ARL13B):c.811C>G (p.Leu271Val)

Gene: ARL13B (ARF like GTPase 13B; plus strand). Cytogenetic location: 3q11.2.
Variant type: single nucleotide variant.
Coding change: c.811C>G on transcript NM_001174150.2 (MANE Select); coding-DNA position 811, C replaced by G.
Protein change: p.Leu271Val; replaces leucine 271 with valine.
Molecular consequence: missense variant. On other transcripts: non-coding transcript variant (2).
Genome position (GRCh38, 1-based): chr3:94,043,027, C>G. VCF-style: chr3-94043027-C-G. GRCh37 (hg19) VCF-style: chr3-93761871-C-G.
Other names: c.502C>G, p.Leu168Val (NM_001174151.2); c.766C>G, p.Leu256Val (NM_001321328.2); c.490C>G, p.Leu164Val (NM_144996.4); c.811C>G, p.Leu271Val (NM_182896.3); c.811C>G (NM_182896.2); short protein forms L168V, L271V, L164V, L256V.
Identifiers: ClinVar variation 1381244 (VCV001381244.7), dbSNP rs1232686117, ClinGen allele CA353678825.
Genomic context (GRCh38, chr3:94,043,027, plus strand): 5'-TTAGATAAAACCATCATAGTAAAGATAATGTATTTTATTTTTTGTTAGAATGAAGGAAAA[C>G]TTGAAAGAGAGAAAAAAAACCAAAAAATGGAGAAAGACAGTGATGGCTGCCACCTGAAAC-3'
Protein context (NP_001167621.1, residues 261-281): ASVIIENEGK[Leu271Val]EREKKNQKME